The following is an entry in ClinVar:

ClinVar aggregate classification (germline): Uncertain significance (1 of 4 stars; one submission).

Allele frequency attached by ClinVar (database versions not stated): TOPMed below 0.00001.

Submission:

Labcorp Genetics (formerly Invitae), Labcorp
Classification: Uncertain significance. Last evaluated: 2024-12-09. Review status: criteria provided, single submitter. Criteria: Invitae Variant Classification Sherloc (09022015). Collection method: clinical testing. Allele origin: germline.
Comment: This sequence change replaces lysine, which is basic and polar, with glutamic acid, which is acidic and polar, at codon 212 of the DNAJC21 protein (p.Lys212Glu). This variant is not present in population databases (gnomAD no frequency). This variant has not been reported in the literature in individuals affected with DNAJC21-related conditions. ClinVar contains an entry for this variant (Variation ID: 2818957). An algorithm developed to predict the effect of missense changes on protein structure and function (PolyPhen-2) suggests that this variant is likely to be disruptive. In summary, the available evidence is currently insufficient to determine the role of this variant in disease. Therefore, it has been classified as a Variant of Uncertain Significance.

NM_001012339.3(DNAJC21):c.634A>G (p.Lys212Glu)

Gene: DNAJC21 (DnaJ heat shock protein family (Hsp40) member C21; plus strand). Cytogenetic location: 5p13.2.
Variant type: single nucleotide variant.
Coding change: c.634A>G on transcript NM_001012339.3 (MANE Select); coding-DNA position 634, A replaced by G.
Protein change: p.Lys212Glu; replaces lysine 212 with glutamic acid.
Molecular consequence: missense variant.
Genome position (GRCh38, 1-based): chr5:34,937,521, A>G. VCF-style: chr5-34937521-A-G. GRCh37 (hg19) VCF-style: chr5-34937626-A-G.
Other names: c.634A>G, p.Lys212Glu (NM_001348420.2, NM_194283.4); short protein forms K212E.
Identifiers: ClinVar variation 2818957 (VCV002818957.3), dbSNP rs1764822787, ClinGen allele CA359415372.